The following is an entry in ClinVar:

NM_005445.4(SMC3):c.*17A>G

Gene: SMC3 (structural maintenance of chromosomes 3; plus strand). Cytogenetic location: 10q25.2.
Variant type: single nucleotide variant.
Coding change: c.*17A>G on transcript NM_005445.4 (MANE Select); 17 bases downstream of the stop codon, A replaced by G.
Molecular consequence: 3 prime UTR variant.
Genome position (GRCh38, 1-based): chr10:110,604,319, A>G. VCF-style: chr10-110604319-A-G. GRCh37 (hg19) VCF-style: chr10-112364077-A-G.
Identifiers: ClinVar variation 298778 (VCV000298778.5), dbSNP rs199611616, ClinGen allele CA5688467.

ClinVar aggregate classification (germline): Likely benign (1 of 4 stars; one submission).

Conditions:
Cornelia de Lange syndrome 3 (CDLS3). Also called: CORNELIA DE LANGE SYNDROME 3 WITH OR WITHOUT MIDLINE BRAIN DEFECTS; SMC3-Related Cornelia de Lange Syndrome. Identifiers: Orphanet 199, MedGen C1853099, MONDO:0012555, OMIM 610759.

Allele frequency attached by ClinVar (database versions not stated): gnomAD exomes 0.00014 and 0.00039; ESP Exome Variant Server 0.00015; 1000 Genomes Project 30x 0.00016; 1000 Genomes Project 0.00020; TOPMed 0.00028; ExAC 0.00031; gnomAD 0.00032.
gnomAD v4.1: 261 of 1,571,354 alleles (0.017%); highest among the groups gnomAD compares: Middle Eastern, 0.069%; no homozygotes.

Submission:

Illumina Laboratory Services, Illumina
Classification: Likely benign for Cornelia de Lange syndrome 3. Last evaluated: 2018-01-12. Review status: criteria provided, single submitter. Criteria: ICSL Variant Classification Criteria 13 December 2019. Collection method: clinical testing. Allele origin: germline.
Comment: This variant was observed in the ICSL laboratory as part of a predisposition screen in an ostensibly healthy population. It had not been previously curated by ICSL or reported in the Human Gene Mutation Database (HGMD: prior to June 1st, 2018), and was therefore a candidate for classification through an automated scoring system. Utilizing variant allele frequency, disease prevalence and penetrance estimates, and inheritance mode, an automated score was calculated to assess if this variant is too frequent to cause the disease. Based on the score and internal cut-off values, a variant classified as likely benign is not then subjected to further curation. The score for this variant resulted in a classification of likely benign for this disease.